The following is an entry in ClinVar:

ClinVar aggregate classification (germline): Conflicting classifications of pathogenicity. Review status: criteria provided, conflicting classifications (1 of 4 stars). 2 submissions from 2 submitters: Uncertain significance (1); Likely benign (1). Last evaluated 2023-08-25.

Conditions:
Hereditary cancer-predisposing syndrome. Also called: Hereditary neoplastic syndrome; Hereditary Cancer Syndrome; Tumor predisposition; Neoplastic Syndromes, Hereditary. Identifiers: Orphanet 140162, MedGen C0027672, MeSH D009386, MONDO:0015356.

Submissions (2):

Blueprint Genetics
Classification: Likely benign. Last evaluated: 2023-08-25. Review status: criteria provided, single submitter. Criteria: ACMG Guidelines, 2015. Collection method: clinical testing. Allele origin: germline.

Sema4
Classification: Uncertain significance for Hereditary cancer-predisposing syndrome. Last evaluated: 2021-08-26. Review status: criteria provided, single submitter. Criteria: Sema4 Curation Guidelines. Collection method: curation. Allele origin: germline.
Comment: The RECQL4 c.2059-12G>C variant has not been reported in the literature to our knowledge. It was observed in 21/136900 chromosomes across all populations in the large and broad cohorts of the Genome Aggregation Database, with no homozygotes (PMID: 32461654). The variant has not been reported in ClinVar. Splice site prediction tools suggest the variant does not disrupt normal splicing, however these predictions have not been confirmed by transcriptional studies. The evidence is insufficient to meet ACMG/AMP criteria for classifying the variant as benign or pathogenic. Thus, the clinical significance of this variant is currently uncertain.

NM_004260.4(RECQL4):c.2059-12G>C

Gene: RECQL4 (RecQ like helicase 4; minus strand). Cytogenetic location: 8q24.3.
Variant type: single nucleotide variant.
Coding change: c.2059-12G>C on transcript NM_004260.4 (MANE Select); 12 bases into the intron before coding-DNA position 2059, G replaced by C.
Molecular consequence: intron variant.
Genome position (GRCh38, 1-based): chr8:144,513,724, C>G on the plus strand (G>C on the coding strand, the complement: RECQL4 is on the minus strand). VCF-style: chr8-144513724-C-G. GRCh37 (hg19) VCF-style: chr8-145739108-C-G.
Identifiers: ClinVar variation 1692764 (VCV001692764.2), dbSNP rs112797566, ClinGen allele CA187683932.